The following is an entry in ClinVar:

ClinVar aggregate classification (germline): Pathogenic (1 of 4 stars; one submission).

Conditions:
Bardet-Biedl syndrome (BBS). Identifiers: Orphanet 110, MedGen C0752166, MONDO:0015229.

Submission:

Labcorp Genetics (formerly Invitae), Labcorp
Classification: Pathogenic for Bardet-Biedl syndrome. Last evaluated: 2021-09-15. Review status: criteria provided, single submitter. Criteria: Invitae Variant Classification Sherloc (09022015). Collection method: clinical testing. Allele origin: germline.
Comment: For these reasons, this variant has been classified as Pathogenic. This variant has not been reported in the literature in individuals affected with BBS7-related conditions. This sequence change creates a premature translational stop signal (p.Leu417Tyrfs*56) in the BBS7 gene. It is expected to result in an absent or disrupted protein product. Loss-of-function variants in BBS7 are known to be pathogenic (PMID: 12567324, 19402160, 21209035, 31196119). This variant is not present in population databases (ExAC no frequency).

Literature cited by the submitters: PubMed 12567324; PubMed 19402160; PubMed 21209035; PubMed 31196119.

NM_176824.3(BBS7):c.1250del (p.Leu417fs)

Gene: BBS7 (Bardet-Biedl syndrome 7; minus strand). Cytogenetic location: 4q27.
Variant type: Deletion.
Coding change: c.1250del on transcript NM_176824.3 (MANE Select); coding-DNA position 1250, one base deleted (T; older notation c.1250delT).
Protein change: p.Leu417fs; shifts the reading frame from leucine 417.
Molecular consequence: frameshift variant.
Genome position (GRCh38, 1-based): chr4:121,843,982, A deleted on the plus strand (T on the coding strand, the reverse complement: BBS7 is on the minus strand); the first of 3 consecutive A bases (chr4:121,843,982-121,843,984); deleting any one gives the same sequence. VCF-style (leftmost placement, unchanged base first): chr4-121843981-TA-T. GRCh37 (hg19) VCF-style: chr4-122765136-TA-T.
Other names: c.1250del, p.Leu417fs (NM_018190.4); short protein forms L417fs.
Identifiers: ClinVar variation 1363367 (VCV001363367.6), dbSNP rs2149066862, ClinGen allele CA2573137979.